The following is an entry in ClinVar:

NM_001457.4(FLNB):c.2622G>T (p.Gly874=)

Gene: FLNB (filamin B; plus strand). Cytogenetic location: 3p14.3.
Variant type: single nucleotide variant.
Coding change: c.2622G>T on transcript NM_001457.4 (MANE Select); coding-DNA position 2622, G replaced by T.
Protein change: p.Gly874=; no amino-acid change (glycine 874 retained).
Molecular consequence: synonymous variant.
Genome position (GRCh38, 1-based): chr3:58,112,195, G>T. VCF-style: chr3-58112195-G-T. GRCh37 (hg19) VCF-style: chr3-58097922-G-T.
Other names: c.2622G>T (NM_001457.3); c.2622G>T, p.Gly874= (NM_001164317.2, NM_001164318.2, NM_001164319.2).
Identifiers: ClinVar variation 2908701 (VCV002908701.5), dbSNP rs369019485, ClinGen allele CA2468184.

ClinVar aggregate classification (germline): Benign. Review status: criteria provided, single submitter (1 of 4 stars). 2 submissions from 2 submitters: Benign (1). 1 of the submissions does not count toward it. Last evaluated 2025-03-23.

Conditions:
FLNB-related disorder. Also called: FLNB-related disorders; FLNB-related condition. Identifiers: MedGen CN381095.

Allele frequency attached by ClinVar (database versions not stated): gnomAD exomes 0.00001; ExAC 0.00005; TOPMed 0.00012; ESP Exome Variant Server 0.00015.
gnomAD v4.1: 39 of 1,614,062 alleles (0.0024%); highest among the groups gnomAD compares: African/African-American, 0.047%; no homozygotes.

Submissions (2):

Labcorp Genetics (formerly Invitae), Labcorp
Classification: Benign. Last evaluated: 2025-03-23. Review status: criteria provided, single submitter. Criteria: Invitae Variant Classification Sherloc (09022015). Collection method: clinical testing. Allele origin: germline.

PreventionGenetics, part of Exact Sciences
Classification: Likely benign for FLNB-related condition. Last evaluated: 2020-02-04. Review status: no assertion criteria provided. Collection method: clinical testing. Allele origin: germline. Not counted in ClinVar's aggregate classification.
Comment: This variant is classified as likely benign based on ACMG/AMP sequence variant interpretation guidelines (Richards et al. 2015 PMID: 25741868, with internal and published modifications).